The following is an entry in ClinVar:

NM_020297.4(ABCC9):c.4512+746_4512+747del

Genes: ABCC9 (ATP binding cassette subfamily C member 9; minus strand), KCNJ8-AS1 (KCNJ8 antisense RNA 1; plus strand). Cytogenetic location: 12p12.1.
Variant type: Deletion.
Coding change: c.4512+746_4512+747del on transcript NM_020297.4 (MANE Select); bases 746 to 747 of the intron after coding-DNA position 4512, 2 bases deleted (AG; older notation c.4512+746_4512+747delAG).
Molecular consequence: intron variant. On other transcripts: frameshift variant (1).
Genome position (GRCh38, 1-based): chr12:21,805,251-21,805,252, CT deleted on the plus strand (AG on the coding strand, the reverse complement: ABCC9 is on the minus strand). VCF-style (leftmost placement, unchanged base first): chr12-21805250-ACT-A. GRCh37 (hg19) VCF-style: chr12-21958184-ACT-A.
Other names: c.4512+746_4512+747del (NM_001377273.1); c.4572_4573del, p.Leu1524fs (NM_005691.4); c.3645+746_3645+747del (NM_001377274.1); short protein forms L1524fs.
Identifiers: ClinVar variation 2642776 (VCV002642776.24), dbSNP rs2540791852, ClinGen allele CA2695199056.
Genomic context (GRCh38, chr12:21,805,250, plus strand): 5'-ACCAAAGTGGAAAAGAGGCCATTCTTGTGGGCGAGCAAATTTGGGACAGTATCACACTCC[ACT>A]AAAATACCCTCAGAAAAGACTAAAACAAGGCCTGCATCCATAATAGAAGAGACACGGTGC-3'

ClinVar aggregate classification (germline): Uncertain significance (1 of 4 stars; one submission).

Submission:

CeGaT Center for Human Genetics Tuebingen
Classification: Uncertain significance. Last evaluated: 2023-10-01. Review status: criteria provided, single submitter. Criteria: CeGaT Center For Human Genetics Tuebingen Variant Classification Criteria Version 2. Collection method: clinical testing. Allele origin: germline. Affected: yes. Observed: 1 variant allele.
Comment: ABCC9: PM2, PVS1:Supporting